The following is an entry in ClinVar:

NM_006030.4(CACNA2D2):c.2297+3A>G

Genes: CACNA2D2 (calcium voltage-gated channel auxiliary subunit alpha2delta 2; minus strand), LOC101928965 (uncharacterized LOC101928965; plus strand), LOC127898564 (CYB561D2-LOC101928965; plus strand). Cytogenetic location: 3p21.31.
Variant type: single nucleotide variant.
Coding change: c.2297+3A>G on transcript NM_006030.4 (MANE Select); 3 bases into the intron after coding-DNA position 2297, A replaced by G.
Molecular consequence: intron variant.
Genome position (GRCh38, 1-based): chr3:50,367,639, T>C on the plus strand (A>G on the coding strand, the complement: CACNA2D2 is on the minus strand). VCF-style: chr3-50367639-T-C. GRCh37 (hg19) VCF-style: chr3-50405070-T-C.
Other names: c.2090+3A>G (NM_001291101.1); c.2297+3A>G (NM_001005505.3); c.2318+3A>G (NM_001174051.3).
Identifiers: ClinVar variation 565439 (VCV000565439.2), dbSNP rs1320493372, ClinGen allele CA543054168.

ClinVar aggregate classification (germline): Uncertain significance (1 of 4 stars; one submission).

Conditions:
Developmental and epileptic encephalopathy. Identifiers: MedGen C5779964, MONDO:0100620.

Allele frequency attached by ClinVar (database versions not stated): gnomAD exomes below 0.00001 and 0.00001; TOPMed 0.00001.
gnomAD v4.1: 10 of 1,611,322 alleles (0.00062%); highest among the groups gnomAD compares: Non-Finnish European, 0.00068%; no homozygotes.

Submission:

Labcorp Genetics (formerly Invitae), Labcorp
Classification: Uncertain significance for Early infantile epileptic encephalopathy. Last evaluated: 2018-01-31. Review status: criteria provided, single submitter. Criteria: Invitae Variant Classification Sherloc (09022015). Collection method: clinical testing. Allele origin: germline.
Comment: This sequence change falls in intron 26 of the CACNA2D2 gene. It does not directly change the encoded amino acid sequence of the CACNA2D2 protein, but it affects a nucleotide within the consensus splice site of the intron. This variant is not present in population databases (ExAC no frequency). This variant has not been reported in the literature in individuals with CACNA2D2-related disease. Nucleotide substitutions within the consensus splice site are a relatively common cause of aberrant splicing (PMID: 17576681, 9536098). Algorithms developed to predict the effect of sequence changes on RNA splicing suggest that this variant is not likely to affect RNA splicing, but this prediction has not been confirmed by published transcriptional studies. In summary, the available evidence is currently insufficient to determine the role of this variant in disease. Therefore, it has been classified as a Variant of Uncertain Significance.